The following is an entry in ClinVar:

ClinVar aggregate classification (germline): Conflicting classifications of pathogenicity. Review status: criteria provided, conflicting classifications (1 of 4 stars). 2 submissions from 2 submitters: Uncertain significance (1); Likely benign (1). Last evaluated 2025-09-26.

Allele frequency attached by ClinVar (database versions not stated): ExAC 0.00001; gnomAD 0.00002.
gnomAD v4.1: 5 of 1,614,038 alleles (0.00031%); highest among the groups gnomAD compares: African/African-American, 0.0053%; no homozygotes.

Submissions (2):

Women's Health and Genetics/Laboratory Corporation of America, LabCorp
Classification: Uncertain significance. Last evaluated: 2025-09-26. Review status: criteria provided, single submitter. Criteria: LabCorp Variant Classification Summary - May 2015. Collection method: clinical testing. Allele origin: germline.
Comment: Variant summary: SETBP1 c.2782C>A (p.Leu928Met) results in a conservative amino acid change in the encoded protein sequence. Algorithms developed to predict the effect of missense changes on protein structure and function are either unavailable or do not agree on the potential impact of this missense change. The variant allele was found at a frequency of 8e-06 in 251022 control chromosomes. The available data on variant occurrences in the general population are insufficient to allow any conclusion about variant significance. To our knowledge, no occurrence of c.2782C>A in individuals affected with SETBP1-related conditions and no experimental evidence demonstrating its impact on protein function have been reported. ClinVar contains an entry for this variant (Variation ID: 1369277). Based on the evidence outlined above, the variant was classified as uncertain significance.

Labcorp Genetics (formerly Invitae), Labcorp
Classification: Likely benign. Last evaluated: 2025-03-09. Review status: criteria provided, single submitter. Criteria: Invitae Variant Classification Sherloc (09022015). Collection method: clinical testing. Allele origin: germline.

NM_015559.3(SETBP1):c.2782C>A (p.Leu928Met)

Gene: SETBP1 (SET binding protein 1; plus strand). Cytogenetic location: 18q12.3.
Variant type: single nucleotide variant.
Coding change: c.2782C>A on transcript NM_015559.3 (MANE Select); coding-DNA position 2782, C replaced by A.
Protein change: p.Leu928Met; replaces leucine 928 with methionine.
Molecular consequence: missense variant.
Genome position (GRCh38, 1-based): chr18:44,952,122, C>A. VCF-style: chr18-44952122-C-A. GRCh37 (hg19) VCF-style: chr18-42532087-C-A.
Other names: c.2782C>A, p.Leu928Met (NM_001379141.1, NM_001379142.1); short protein forms L928M.
Identifiers: ClinVar variation 1369277 (VCV001369277.9), dbSNP rs773555071, ClinGen allele CA8945801.